The following is an entry in ClinVar:

ClinVar aggregate classification (germline): Pathogenic/Likely pathogenic. Review status: criteria provided, multiple submitters, no conflicts (2 of 4 stars). 2 submissions from 2 submitters: Pathogenic (1); Likely pathogenic (1). Last evaluated 2024-05-30.

Allele frequency attached by ClinVar (database versions not stated): TOPMed 0.00001; ESP Exome Variant Server 0.00008.
gnomAD v4.1: 5 of 1,613,846 alleles (0.00031%); highest among the groups gnomAD compares: East Asian, 0.0022%; no homozygotes.

Submissions (2):

Revvity Omics, Revvity
Classification: Likely pathogenic. Last evaluated: 2024-05-30. Review status: criteria provided, single submitter. Criteria: ACMG Guidelines, 2015. Collection method: clinical testing. Allele origin: germline.

Athena Diagnostics
Classification: Pathogenic. Last evaluated: 2021-01-13. Review status: criteria provided, single submitter. Criteria: Athena Diagnostics criteria. Collection method: clinical testing. Allele origin: unknown.
Comment: This variant is expected to result in the loss of a functional protein. The frequency of this variant in the general population is consistent with pathogenicity. This variant has been identified in at least one individual with clinical features associated with this gene.

NM_182961.4(SYNE1):c.9082C>T (p.Arg3028Ter)

Gene: SYNE1 (spectrin repeat containing nuclear envelope protein 1; minus strand). Cytogenetic location: 6q25.2.
Variant type: single nucleotide variant.
Coding change: c.9082C>T on transcript NM_182961.4 (MANE Select); coding-DNA position 9082, C replaced by T.
Protein change: p.Arg3028Ter; replaces arginine 3028 with a stop codon.
Molecular consequence: nonsense.
Genome position (GRCh38, 1-based): chr6:152,376,840, G>A on the plus strand (C>T on the coding strand, the complement: SYNE1 is on the minus strand). VCF-style: chr6-152376840-G-A. GRCh37 (hg19) VCF-style: chr6-152697975-G-A.
Other names: c.9103C>T (NM_033071.3); c.9103C>T, p.Arg3035Ter (NM_033071.5); short protein forms R3028*, R3035*.
Identifiers: ClinVar variation 994531 (VCV000994531.3), dbSNP rs369163343, ClinGen allele CA4057408.